The following is an entry in ClinVar:

NM_001142966.3(GREB1L):c.5068G>A (p.Val1690Met)

Gene: GREB1L (GREB1 like retinoic acid receptor coactivator; plus strand). Cytogenetic location: 18q11.2.
Variant type: single nucleotide variant.
Coding change: c.5068G>A on transcript NM_001142966.3 (MANE Select); coding-DNA position 5068, G replaced by A.
Protein change: p.Val1690Met; replaces valine 1690 with methionine.
Molecular consequence: missense variant.
Genome position (GRCh38, 1-based): chr18:21,515,583, G>A. VCF-style: chr18-21515583-G-A. GRCh37 (hg19) VCF-style: chr18-19095544-G-A.
Other names: c.5068G>A (NM_001142966.2); short protein forms V1690M.
Identifiers: ClinVar variation 453278 (VCV000453278.3), dbSNP rs1555663997, ClinGen allele CA401734631.

ClinVar aggregate classification (germline): Uncertain significance. Review status: criteria provided, single submitter (1 of 4 stars). 3 submissions from 3 submitters: Uncertain significance (1). 2 of the submissions do not count toward it. Last evaluated 2020-05-28.

Conditions:
Renal hypodysplasia/aplasia 3 (RHDA3). Identifiers: MedGen C4540497, MONDO:0024520, OMIM 617805.
Congenital anomaly of kidney and urinary tract. Also called: Congenital anomalies of kidney and urinary tract; Congenital anomalies of the kidney and urinary tract. Identifiers: Orphanet 93545, MedGen C1968949, MeSH C566906, MONDO:0019719.

Allele frequency attached by ClinVar (database versions not stated): gnomAD exomes below 0.00001.
gnomAD v4.1: 2 of 1,551,710 alleles (0.00013%); highest among the groups gnomAD compares: South Asian, 0.0012%; no homozygotes.

Submissions (3):

Broad Center for Mendelian Genomics, Broad Institute of MIT and Harvard
Classification: Uncertain significance for Renal hypodysplasia/aplasia 3. Last evaluated: 2020-05-28. Review status: criteria provided, single submitter. Criteria: ACMG Guidelines, 2015. Collection method: research. Allele origin: germline. Inheritance: Autosomal dominant inheritance.
Comment: The heterozygous p.Val1690Met variant in GREB1L was identified by our study in 2 siblings with renal hypodysplasia/aplasia 3 as well as their father whose affection status is unknown. The p.Val1690Met variant in GREB1L has been reported in 4 individuals with renal hypodysplasia/aplasia 3, segregated with disease in these 4 affected relatives from 2 families (PMID: 29100090, 30143558), and was absent from large population studies. This variant has also been reported in ClinVar as Pathogenic by OMIM (Variation ID# 453278). Animal models in zebrafish have shown that this variant causes renal hypodysplasia/aplasia 3 (PMID: 29100090). Computational prediction tools, including splice predictors, and conservation analyses suggest that this variant may not impact the protein, though this information is not predictive enough to rule out pathogenicity. The number of missense variants reported in GREB1L in the general population is lower than expected, suggesting there is little benign variation in this gene and slightly increasing the possibility that a missense variant in this gene may not be tolerated. In summary, while there is some suspicion for a pathogenic role, the clinical significance of this variant is uncertain. ACMG/AMP Criteria applied: PS3, PM2, PP2, BP4, PS4_supporting (Richards 2015).

Yale Center for Mendelian Genomics, Yale University
Classification: Likely pathogenic for Congenital anomaly of kidney and urinary tract. Last evaluated: 2018-08-24. Review status: no assertion criteria provided. Collection method: literature only. Allele origin: germline. Affected: yes. Observed: 1 heterozygote. Study: Yale Center for Mendelian Genomics. Not counted in ClinVar's aggregate classification.

OMIM
Classification: Pathogenic for RENAL HYPODYSPLASIA/APLASIA 3. Last evaluated: 2017-12-18. Review status: no assertion criteria provided. Collection method: literature only. Allele origin: germline. Not counted in ClinVar's aggregate classification.

Literature cited by the submitters: PubMed 29100090 (cited by Broad Center for Mendelian Genomics, Broad Institute of MIT and Harvard and OMIM); PubMed 30143558 (cited by Yale Center for Mendelian Genomics, Yale University).